The following is an entry in ClinVar:

ClinVar aggregate classification (germline): Likely pathogenic (1 of 4 stars; one submission).

Conditions:
Propionic acidemia (PROP). Also called: GLYCINEMIA, KETOTIC; HYPERGLYCINEMIA WITH KETOACIDOSIS AND LEUKOPENIA; KETOTIC HYPERGLYCINEMIA. Identifiers: Orphanet 35, MedGen C0268579, MONDO:0011628, OMIM 606054, HP:0003571.

Submission:

Natera, Inc.
Classification: Likely pathogenic for Propionic acidemia. Last evaluated: 2025-10-03. Review status: criteria provided, single submitter. Criteria: Natera Variant Classification Schema (03/2026). Collection method: clinical testing. Allele origin: germline.
Comment: The c.1del variant in PCCB is predicted to result in start loss due to disruption of the initiator methionine. This variant is expected to result in nonsense mediated decay, truncation, or a dysfunctional protein product. This variant is rare in the general population with a frequency below the threshold expected for the associated phenotype(s). Given the available evidence, this variant is classified as Likely Pathogenic.

NM_000532.5(PCCB):c.1del (p.Met1fs)

Gene: PCCB (propionyl-CoA carboxylase subunit beta; plus strand). Cytogenetic location: 3q22.3.
Variant type: Deletion.
Coding change: c.1del on transcript NM_000532.5 (MANE Select); coding-DNA position 1, one base deleted (A; older notation c.1delA).
Protein change: p.Met1fs; shifts the reading frame from methionine 1.
Molecular consequence: frameshift variant, initiator codon variant.
Genome position (GRCh38, 1-based): chr3:136,250,376, A deleted; the last of 5 consecutive A bases (chr3:136,250,372-136,250,376); deleting any one gives the same sequence. VCF-style (leftmost placement, unchanged base first): chr3-136250371-CA-C. GRCh37 (hg19) VCF-style: chr3-135969213-CA-C.
Other names: c.1del, p.Met1fs (NM_001178014.2); short protein forms M1fs.
Identifiers: ClinVar variation 4814328 (VCV004814328.1).